The following is an entry in ClinVar:

ClinVar aggregate classification (germline): Uncertain significance. Review status: criteria provided, multiple submitters, no conflicts (2 of 4 stars). 2 submissions from 2 submitters: Uncertain significance (2). Last evaluated 2025-06-10.

Conditions:
Malignant hyperthermia, susceptibility to, 5 (MHS5). Also called: CACNA1S-Related Malignant Hyperthermia Susceptibility. Identifiers: Orphanet 423, MedGen C1866077, MONDO:0011163, OMIM 601887.

Allele frequency attached by ClinVar (database versions not stated): gnomAD exomes below 0.00001; TOPMed below 0.00001.

Submissions (2):

Color Diagnostics, LLC DBA Color Health
Classification: Uncertain significance for Malignant hyperthermia, susceptibility to, 5. Last evaluated: 2025-06-10. Review status: criteria provided, single submitter. Criteria: ACMG Guidelines, 2015. Collection method: clinical testing. Allele origin: germline.
Comment: This missense variant replaces methionine with isoleucine at codon 152 of the CACNA1S protein. Computational prediction suggests that this variant may not impact protein structure and function. To our knowledge, functional studies have not been reported for this variant. This variant has not been reported in individuals affected with CACNA1S-related disorders in the literature. This variant has been identified in 1/251484 chromosomes in the general population by the Genome Aggregation Database (gnomAD). The available evidence is insufficient to determine the role of this variant in disease conclusively. Therefore, this variant is classified as a Variant of Uncertain Significance.

All of Us Research Program, National Institutes of Health
Classification: Uncertain significance for Malignant hyperthermia, susceptibility to, 5. Last evaluated: 2023-06-28. Review status: criteria provided, single submitter. Criteria: ACMG Guidelines, 2015. Collection method: clinical testing. Allele origin: germline. Inheritance: Autosomal dominant inheritance. Observed: 1 variant allele, 1 heterozygote.
Comment: This study involves interpretation of variants in research participants for the purpose of population health screening. Participant phenotype was not available at the time of variant classification. Additional details can be found in publication PMID: 35346344, PMCID: PMC8962531

NM_000069.3(CACNA1S):c.456G>A (p.Met152Ile)

Gene: CACNA1S (calcium voltage-gated channel subunit alpha1 S; minus strand). Cytogenetic location: 1q32.1.
Variant type: single nucleotide variant.
Coding change: c.456G>A on transcript NM_000069.3 (MANE Select); coding-DNA position 456, G replaced by A.
Protein change: p.Met152Ile; replaces methionine 152 with isoleucine.
Molecular consequence: missense variant.
Genome position (GRCh38, 1-based): chr1:201,092,057, C>T on the plus strand (G>A on the coding strand, the complement: CACNA1S is on the minus strand). VCF-style: chr1-201092057-C-T. GRCh37 (hg19) VCF-style: chr1-201061185-C-T.
Other names: short protein forms M152I.
Identifiers: ClinVar variation 3071696 (VCV003071696.2), dbSNP rs1419615703, ClinGen allele CA344142165.
Genomic context (GRCh38, chr1:201,092,057, plus strand): 5'-GGGTCTGAGCACTCGGAAGGCTCTGAGGGCCTTGACATCCAAGCCGGCTCCTTTGCTGCT[C>T]ATTGGGGCTGTGTGGCTTTGGATGACGTTAACCTGTTCCAGAATCACGGTGAAGACCCTA-3'
Protein context (NP_000060.2, residues 142-162): VNVIQSHTAP[Met152Ile]SSKGAGLDVK